The following is an entry in ClinVar:

NC_000023.10:g.(?_114844563)_(114883881_?)del

Gene: PLS3 (plastin 3; plus strand). Cytogenetic location: Xq23.
Variant type: Deletion.
Identifiers: ClinVar variation 2425280 (VCV002425280.3).

ClinVar aggregate classification (germline): Pathogenic (1 of 4 stars; one submission).

Submission:

Labcorp Genetics (formerly Invitae), Labcorp
Classification: Pathogenic. Last evaluated: 2022-09-23. Review status: criteria provided, single submitter. Criteria: Invitae Variant Classification Sherloc (09022015). Collection method: clinical testing. Allele origin: germline.
Comment: A gross deletion of the genomic region encompassing the full coding sequence of the PLS3 gene has been identified. Loss-of-function variants in PLS3 are known to be pathogenic (PMID: 24088043, 30405713, 33166085). The boundaries of this event are unknown as they extend beyond the assayed region for this gene and therefore may encompass additional genes. A similar copy number variant has been observed in individual(s) with osteoporosis (PMID: 28605746). For these reasons, this variant has been classified as Pathogenic.

Literature cited by the submitters: PubMed 24088043; PubMed 30405713; PubMed 33166085; PubMed 28605746.